The following is an entry in ClinVar:

NM_000180.4(GUCY2D):c.1556C>T (p.Thr519Ile)

Gene: GUCY2D (guanylate cyclase 2D, retinal; plus strand). Cytogenetic location: 17p13.1.
Variant type: single nucleotide variant.
Coding change: c.1556C>T on transcript NM_000180.4 (MANE Select); coding-DNA position 1556, C replaced by T.
Protein change: p.Thr519Ile; replaces threonine 519 with isoleucine.
Molecular consequence: missense variant.
Genome position (GRCh38, 1-based): chr17:8,007,518, C>T. VCF-style: chr17-8007518-C-T. GRCh37 (hg19) VCF-style: chr17-7910836-C-T.
Other names: short protein forms T519I.
Identifiers: ClinVar variation 957041 (VCV000957041.13), dbSNP rs549834851, ClinGen allele CA8365790.

ClinVar aggregate classification (germline): Conflicting classifications of pathogenicity. Review status: criteria provided, conflicting classifications (1 of 4 stars). 4 submissions from 4 submitters: Uncertain significance (1); Benign (1); Likely benign (2). Last evaluated 2025-11-08.

Conditions:
GUCY2D-related disorder. Also called: GUCY2D-related condition.
Night blindness, congenital stationary, type1i. Also called: NIGHT BLINDNESS, CONGENITAL STATIONARY, TYPE 1I. Identifiers: MedGen C5231408, MONDO:0032811, OMIM 618555.
Cone-rod dystrophy 6 (CORD6). Also called: RETINAL CONE DYSTROPHY 2; Cone dystrophy progressive. Identifiers: Orphanet 1872, MedGen C1866293, MONDO:0011143, OMIM 601777.
Leber congenital amaurosis 1 (LCA1). Also called: RETINAL BLINDNESS, CONGENITAL; AMAUROSIS CONGENITA OF LEBER I; Congenital absence of the rods and cones; Leber's congenital tapetoretinal degeneration; Leber's congenital tapetoretinal dysplasia. Identifiers: Orphanet 65, MedGen C2931258, MONDO:0008764, OMIM 204000.
Choroidal dystrophy, central areolar, 1. Identifiers: Orphanet 75377, MedGen C4551884, MONDO:0024539, OMIM 215500.

Allele frequency attached by ClinVar (database versions not stated): gnomAD below 0.00001 and 0.00007; TOPMed 0.00001; gnomAD exomes 0.00011 and 0.00020; ExAC 0.00021; 1000 Genomes Project 30x 0.00031; 1000 Genomes Project 0.00040.
gnomAD v4.1: 169 of 1,600,110 alleles (0.011%); highest among the groups gnomAD compares: South Asian, 0.18%; 4 homozygotes.

Submissions (4):

Labcorp Genetics (formerly Invitae), Labcorp
Classification: Likely benign for Leber congenital amaurosis 1; Cone-rod dystrophy 6. Last evaluated: 2025-11-08. Review status: criteria provided, single submitter. Criteria: Invitae Variant Classification Sherloc (09022015). Collection method: clinical testing. Allele origin: germline.

PreventionGenetics, part of Exact Sciences
Classification: Likely benign for GUCY2D-related condition. Last evaluated: 2025-05-28. Review status: criteria provided, single submitter. Criteria: ACMG Guidelines, 2015. Collection method: clinical testing. Allele origin: germline.
Comment: This variant is classified as likely benign based on ACMG/AMP sequence variant interpretation guidelines (Richards et al. 2015 PMID: 25741868, with internal and published modifications).

Blueprint Genetics
Classification: Benign. Last evaluated: 2024-11-19. Review status: criteria provided, single submitter. Criteria: ACMG Guidelines, 2015. Collection method: clinical testing. Allele origin: germline.

Department of Pathology and Laboratory Medicine, Sinai Health System
Classification: Uncertain significance for Leber congenital amaurosis 1; Choroidal dystrophy, central areolar, 1; Cone-rod dystrophy 6; Night blindness, congenital stationary, type1i. Last evaluated: 2022-07-21. Review status: criteria provided, single submitter. Criteria: ACMG Guidelines, 2015. Collection method: research. Allele origin: germline.